The following is an entry in ClinVar:

NM_016239.4(MYO15A):c.10409C>A (p.Thr3470Lys)

Gene: MYO15A (myosin XVA; plus strand). Cytogenetic location: 17p11.2.
Variant type: single nucleotide variant.
Coding change: c.10409C>A on transcript NM_016239.4 (MANE Select); coding-DNA position 10409, C replaced by A.
Protein change: p.Thr3470Lys; replaces threonine 3470 with lysine.
Molecular consequence: missense variant.
Genome position (GRCh38, 1-based): chr17:18,173,839, C>A. VCF-style: chr17-18173839-C-A. GRCh37 (hg19) VCF-style: chr17-18077153-C-A.
Other names: short protein forms T3470K.
Identifiers: ClinVar variation 3373699 (VCV003373699.1).

ClinVar aggregate classification (germline): Uncertain significance (1 of 4 stars; one submission).

gnomAD v4.1: 1 of 1,613,344 alleles (0.000062%); highest among the groups gnomAD compares: Non-Finnish European, 0.000085%; no homozygotes.

Submission:

GeneDx
Classification: Uncertain significance. Last evaluated: 2024-03-10. Review status: criteria provided, single submitter. Criteria: GeneDx Variant Classification Process June 2021. Collection method: clinical testing. Allele origin: germline. Affected: yes.
Comment: Not observed at significant frequency in large population cohorts (gnomAD); In silico analysis supports that this missense variant does not alter protein structure/function; Has not been previously published as pathogenic or benign to our knowledge